The following is an entry in ClinVar:

NM_004744.5(LRAT):c.476A>G (p.Asn159Ser)

Gene: LRAT (lecithin retinol acyltransferase; plus strand). Cytogenetic location: 4q32.1.
Variant type: single nucleotide variant.
Coding change: c.476A>G on transcript NM_004744.5 (MANE Select); coding-DNA position 476, A replaced by G.
Protein change: p.Asn159Ser; replaces asparagine 159 with serine.
Molecular consequence: missense variant.
Genome position (GRCh38, 1-based): chr4:154,744,802, A>G. VCF-style: chr4-154744802-A-G. GRCh37 (hg19) VCF-style: chr4-155665954-A-G.
Other names: c.476A>G, p.Asn159Ser (NM_001301645.2); short protein forms N159S.
Identifiers: ClinVar variation 902418 (VCV000902418.9), dbSNP rs202066076, ClinGen allele CA3115878.

ClinVar aggregate classification (germline): Uncertain significance. Review status: criteria provided, multiple submitters, no conflicts (2 of 4 stars). 4 submissions from 3 submitters: Uncertain significance (4). Last evaluated 2024-01-22.

Conditions:
Leber congenital amaurosis 14 (LCA14). Identifiers: MedGen C2750063, MONDO:0013231, OMIM 613341.
Retinitis pigmentosa (RP). Identifiers: Orphanet 791, MedGen C0035334, MeSH D012174, MONDO:0019200, OMIM 268000. Inheritance: Autosomal dominant, autosomal recessive and X linked inheritance.

Allele frequency attached by ClinVar (database versions not stated): ExAC 0.00001; gnomAD exomes 0.00001 and 0.00002; gnomAD 0.00002; TOPMed 0.00002.
gnomAD v4.1: 30 of 1,613,910 alleles (0.0019%); highest among the groups gnomAD compares: Non-Finnish European, 0.0025%; no homozygotes.

Submissions (4):

Blueprint Genetics
Classification: Uncertain significance. Last evaluated: 2024-01-22. Review status: criteria provided, single submitter. Criteria: ACMG Guidelines, 2015. Collection method: clinical testing. Allele origin: germline.

Labcorp Genetics (formerly Invitae), Labcorp
Classification: Uncertain significance. Last evaluated: 2022-10-17. Review status: criteria provided, single submitter. Criteria: Invitae Variant Classification Sherloc (09022015). Collection method: clinical testing. Allele origin: germline.
Comment: This sequence change replaces asparagine, which is neutral and polar, with serine, which is neutral and polar, at codon 159 of the LRAT protein (p.Asn159Ser). This variant is present in population databases (rs202066076, gnomAD 0.0009%). This variant has not been reported in the literature in individuals affected with LRAT-related conditions. ClinVar contains an entry for this variant (Variation ID: 902418). Algorithms developed to predict the effect of missense changes on protein structure and function are either unavailable or do not agree on the potential impact of this missense change (SIFT: "Tolerated"; PolyPhen-2: "Possibly Damaging"; Align-GVGD: "Class C0"). In summary, the available evidence is currently insufficient to determine the role of this variant in disease. Therefore, it has been classified as a Variant of Uncertain Significance.

Illumina Laboratory Services, Illumina
Classification: Uncertain significance for Leber congenital amaurosis 14. Last evaluated: 2018-01-13. Review status: criteria provided, single submitter. Criteria: ICSL Variant Classification Criteria 13 December 2019. Collection method: clinical testing. Allele origin: germline.

Illumina Laboratory Services, Illumina
Classification: Uncertain significance for Retinitis pigmentosa. Last evaluated: 2018-01-13. Review status: criteria provided, single submitter. Criteria: ICSL Variant Classification Criteria 13 December 2019. Collection method: clinical testing. Allele origin: germline.